The following is an entry in ClinVar:

ClinVar aggregate classification (germline): Uncertain significance (1 of 4 stars; one submission).

Allele frequency attached by ClinVar (database versions not stated): ExAC 0.00001; gnomAD exomes 0.00001; TOPMed 0.00002.

Submission:

GeneDx
Classification: Uncertain significance. Last evaluated: 2022-12-14. Review status: criteria provided, single submitter. Criteria: GeneDx Variant Classification Process June 2021. Collection method: clinical testing. Allele origin: germline. Affected: yes.
Comment: In silico analysis supports that this missense variant does not alter protein structure/function; Has not been previously published as pathogenic or benign to our knowledge

NM_001136035.4(TRMT1):c.1847G>A (p.Arg616His)

Gene: TRMT1 (tRNA methyltransferase 1; minus strand). Cytogenetic location: 19p13.13.
Variant type: single nucleotide variant.
Coding change: c.1847G>A on transcript NM_001136035.4 (MANE Select); coding-DNA position 1847, G replaced by A.
Protein change: p.Arg616His; replaces arginine 616 with histidine.
Molecular consequence: missense variant.
Genome position (GRCh38, 1-based): chr19:13,105,068, C>T on the plus strand (G>A on the coding strand, the complement: TRMT1 is on the minus strand). VCF-style: chr19-13105068-C-T. GRCh37 (hg19) VCF-style: chr19-13215882-C-T.
Other names: c.1760G>A, p.Arg587His (NM_001142554.3, NM_001351760.2); c.1739G>A, p.Arg580His (NM_001351761.2); c.1064G>A, p.Arg355His (NM_001351762.2); c.1847G>A, p.Arg616His (NM_017722.5); short protein forms R355H, R580H, R587H, R616H.
Identifiers: ClinVar variation 2506000 (VCV002506000.1), dbSNP rs766999804, ClinGen allele CA9237450.